The following is an entry in ClinVar:

ClinVar aggregate classification (germline): Uncertain significance. Review status: criteria provided, multiple submitters, no conflicts (2 of 4 stars). 2 submissions from 2 submitters: Uncertain significance (2). Last evaluated 2025-08-21.

Allele frequency attached by ClinVar (database versions not stated): gnomAD exomes below 0.00001 and 0.00001; ExAC 0.00004; gnomAD 0.00008 and 0.00010; TOPMed 0.00011; 1000 Genomes Project 30x 0.00078; 1000 Genomes Project 0.00060.
gnomAD v4.1: 23 of 1,612,170 alleles (0.0014%); highest among the groups gnomAD compares: African/African-American, 0.017%; 1 homozygote.

Submissions (2):

Ambry Genetics
Classification: Uncertain significance. Last evaluated: 2025-08-21. Review status: criteria provided, single submitter. Criteria: Ambry Variant Classification Scheme 2023. Collection method: clinical testing. Allele origin: germline.

Labcorp Genetics (formerly Invitae), Labcorp
Classification: Uncertain significance. Last evaluated: 2024-12-04. Review status: criteria provided, single submitter. Criteria: Invitae Variant Classification Sherloc (09022015). Collection method: clinical testing. Allele origin: germline.
Comment: This sequence change replaces proline, which is neutral and non-polar, with leucine, which is neutral and non-polar, at codon 476 of the TRAP1 protein (p.Pro476Leu). This variant is present in population databases (rs200185978, gnomAD 0.02%). This variant has not been reported in the literature in individuals affected with TRAP1-related conditions. ClinVar contains an entry for this variant (Variation ID: 1365798). An algorithm developed to predict the effect of missense changes on protein structure and function (PolyPhen-2) suggests that this variant is likely to be disruptive. In summary, the available evidence is currently insufficient to determine the role of this variant in disease. Therefore, it has been classified as a Variant of Uncertain Significance.

NM_016292.3(TRAP1):c.1427C>T (p.Pro476Leu)

Genes: DNASE1 (deoxyribonuclease 1; plus strand), TRAP1 (TNF receptor associated protein 1; minus strand). Cytogenetic location: 16p13.3.
Variant type: single nucleotide variant.
Coding change: c.1427C>T on transcript NM_016292.3 (MANE Select); coding-DNA position 1427, C replaced by T.
Protein change: p.Pro476Leu; replaces proline 476 with leucine.
Molecular consequence: missense variant. On other transcripts: 3 prime UTR variant (1).
Genome position (GRCh38, 1-based): chr16:3,664,416, G>A on the plus strand (C>T on the coding strand, the complement: TRAP1 is on the minus strand). VCF-style: chr16-3664416-G-A. GRCh37 (hg19) VCF-style: chr16-3714417-G-A.
Other names: c.1268C>T, p.Pro423Leu (NM_001272049.2); c.*1792G>A (NM_001387140.1); short protein forms P476L, P423L.
Identifiers: ClinVar variation 1365798 (VCV001365798.7), dbSNP rs200185978, ClinGen allele CA7868086.